The following is an entry in ClinVar:

ClinVar aggregate classification (germline): Uncertain significance (1 of 4 stars; one submission).

Conditions:
Beckwith-Wiedemann syndrome (BWS). Also called: EMG SYNDROME; Exomphalos macroglossia gigantism syndrome. Identifiers: Orphanet 116, MedGen C0004903, MONDO:0007534, OMIM 130650.

Submission:

Labcorp Genetics (formerly Invitae), Labcorp
Classification: Uncertain significance for Beckwith-Wiedemann syndrome. Last evaluated: 2020-10-12. Review status: criteria provided, single submitter. Criteria: Invitae Variant Classification Sherloc (09022015). Collection method: clinical testing. Allele origin: germline.
Comment: In summary, the available evidence is currently insufficient to determine the role of this variant in disease. Therefore, it has been classified as a Variant of Uncertain Significance. Algorithms developed to predict the effect of missense changes on protein structure and function (SIFT, PolyPhen-2, Align-GVGD) all suggest that this variant is likely to be disruptive, but these predictions have not been confirmed by published functional studies and their clinical significance is uncertain. This missense change has been observed in individual(s) with Beckwith-Wiedemann syndrome (PMID: 31804259). This variant is not present in population databases (ExAC no frequency). This sequence change replaces tryptophan with arginine at codon 61 of the CDKN1C protein (p.Trp61Arg). The tryptophan residue is highly conserved and there is a moderate physicochemical difference between tryptophan and arginine.

Literature cited by the submitters: PubMed 31804259.

NM_001122630.2(CDKN1C):c.148T>A (p.Trp50Arg)

Gene: CDKN1C (cyclin dependent kinase inhibitor 1C; minus strand). Cytogenetic location: 11p15.4.
Variant type: single nucleotide variant.
Coding change: c.148T>A on transcript NM_001122630.2 (MANE Select); coding-DNA position 148, T replaced by A.
Protein change: p.Trp50Arg; replaces tryptophan 50 with arginine.
Molecular consequence: missense variant.
Genome position (GRCh38, 1-based): chr11:2,885,309, A>T on the plus strand (T>A on the coding strand, the complement: CDKN1C is on the minus strand). VCF-style: chr11-2885309-A-T. GRCh37 (hg19) VCF-style: chr11-2906539-A-T.
Other names: c.181T>A, p.Trp61Arg (NM_000076.2, NM_001362474.2); c.148T>A, p.Trp50Arg (NM_001122631.2, NM_001362475.2); short protein forms W50R, W61R.
Identifiers: ClinVar variation 1016161 (VCV001016161.8), dbSNP rs1848973963, ClinGen allele CA379147485.
Genomic context (GRCh38, chr11:2,885,309, plus strand): 5'-CGGTCCACTGCAGGCGTCCAGGGCCCCGCAGCGGCATGTCCTGCTGGAAGTCGTAATCCC[A>T]GCGGTTCTGGTCCTCGGCGTTCAGCTCGGCCAGGCGGGCCTGCAGCTCGCGGCTCAGCTC-3'
Protein context (NP_001116102.1, residues 40-60): AELNAEDQNR[Trp50Arg]DYDFQQDMPL